The following is an entry in ClinVar:

ClinVar aggregate classification (germline): Benign/Likely benign. Review status: criteria provided, multiple submitters, no conflicts (2 of 4 stars). 4 submissions from 4 submitters: Benign (1); Likely benign (3). Last evaluated 2025-11-17.

Allele frequency attached by ClinVar (database versions not stated): TOPMed 0.00096; gnomAD exomes 0.00108; gnomAD 0.00111; ExAC 0.00135; ESP Exome Variant Server 0.00146.
gnomAD v4.1: 2,319 of 1,613,110 alleles (0.14%); highest among the groups gnomAD compares: Non-Finnish European, 0.18%; 1 homozygote.

Submissions (4):

Labcorp Genetics (formerly Invitae), Labcorp
Classification: Likely benign. Last evaluated: 2025-11-17. Review status: criteria provided, single submitter. Criteria: Invitae Variant Classification Sherloc (09022015). Collection method: clinical testing. Allele origin: germline.

Mayo Clinic Laboratories, Mayo Clinic
Classification: Likely benign. Last evaluated: 2025-08-06. Review status: criteria provided, single submitter. Criteria: ACMG Guidelines, 2015. Collection method: clinical testing. Allele origin: germline. Observed: 2 variant alleles.
Comment: BS1, BP4, BP7

Athena Diagnostics
Classification: Benign. Last evaluated: 2025-01-21. Review status: criteria provided, single submitter. Criteria: Athena Diagnostics Criteria. Collection method: clinical testing. Allele origin: unknown.
Comment: The frequency of this variant in the general population is higher than would generally be expected for pathogenic variants in this gene. Computational tools yielded predictions that this variant is unlikely to have an effect on normal RNA splicing. This nucleotide position exhibits low evolutionary conservation.

Blueprint Genetics
Classification: Likely benign. Last evaluated: 2024-11-15. Review status: criteria provided, single submitter. Criteria: ACMG Guidelines, 2015. Collection method: clinical testing. Allele origin: germline.

NM_001278064.2(GRM1):c.1433+10T>C

Gene: GRM1 (glutamate metabotropic receptor 1; plus strand). Cytogenetic location: 6q24.3.
Variant type: single nucleotide variant.
Coding change: c.1433+10T>C on transcript NM_001278064.2 (MANE Select); 10 bases into the intron after coding-DNA position 1433, T replaced by C.
Molecular consequence: intron variant.
Genome position (GRCh38, 1-based): chr6:146,352,506, T>C. VCF-style: chr6-146352506-T-C. GRCh37 (hg19) VCF-style: chr6-146673642-T-C.
Other names: p.?; c.1433+10T>C (NM_001278065.2, NM_001278066.1, NM_001278067.1).
Identifiers: ClinVar variation 447457 (VCV000447457.13), dbSNP rs373538200, ClinGen allele CA4037282.